The following is an entry in ClinVar:

ClinVar aggregate classification (germline): Pathogenic (1 of 4 stars; one submission).

Conditions:
Cardiovascular phenotype. Identifiers: MedGen CN230736.

Submission:

Ambry Genetics
Classification: Pathogenic for Cardiovascular phenotype. Last evaluated: 2023-11-17. Review status: criteria provided, single submitter. Criteria: Ambry Variant Classification Scheme 2023. Collection method: clinical testing. Allele origin: germline.
Comment: The p.C350* pathogenic mutation (also known as c.1050C>A), located in coding exon 10 of the PRDM5 gene, results from a C to A substitution at nucleotide position 1050. This changes the amino acid from a cysteine to a stop codon within coding exon 10. This variant is considered to be rare based on population cohorts in the Genome Aggregation Database (gnomAD). This alteration is expected to result in loss of function by premature protein truncation or nonsense-mediated mRNA decay. As such, this alteration is interpreted as a disease-causing mutation.

NM_018699.4(PRDM5):c.1050C>A (p.Cys350Ter)

Gene: PRDM5 (PR/SET domain 5; minus strand). Cytogenetic location: 4q27.
Variant type: single nucleotide variant.
Coding change: c.1050C>A on transcript NM_018699.4 (MANE Select); coding-DNA position 1050, C replaced by A.
Protein change: p.Cys350Ter; replaces cysteine 350 with a stop codon.
Molecular consequence: nonsense.
Genome position (GRCh38, 1-based): chr4:120,798,405, G>T on the plus strand (C>A on the coding strand, the complement: PRDM5 is on the minus strand). VCF-style: chr4-120798405-G-T. GRCh37 (hg19) VCF-style: chr4-121719560-G-T.
Other names: c.957C>A, p.Cys319Ter (NM_001300823.2, NM_001300824.2, NM_001379106.1); c.1083C>A, p.Cys361Ter (NM_001379104.1); short protein forms C319*, C350*, C361*.
Identifiers: ClinVar variation 3227136 (VCV003227136.1), dbSNP rs765464485, ClinGen allele CA358210325.
Genomic context (GRCh38, chr4:120,798,405, plus strand): 5'-GTGTATTACTTTGTGAGCACCCACTTGATCAAGCCTCTTGAAAGACTTATTACAAATCTC[G>T]CAATTATAGGGTCGTTTTTCTATTAAAAAAATGAGTGGAGACAATCTCATATCTATATAA-3'